The following is an entry in ClinVar:

ClinVar aggregate classification (germline): Uncertain significance. Review status: criteria provided, multiple submitters, no conflicts (2 of 4 stars). 3 submissions from 3 submitters: Uncertain significance (3). Last evaluated 2024-08-26.

Conditions:
Hereditary cancer-predisposing syndrome. Also called: Neoplastic Syndromes, Hereditary; Hereditary Cancer Syndrome; Tumor predisposition; Hereditary neoplastic syndrome. Identifiers: Orphanet 140162, MedGen C0027672, MeSH D009386, MONDO:0015356.
Gorlin syndrome. Also called: Nevoid Basal Cell Carcinoma Syndrome; Basal cell nevus syndrome. Identifiers: Orphanet 377, MedGen C0004779, MONDO:0007187.

Allele frequency attached by ClinVar (database versions not stated): gnomAD exomes below 0.00001.
gnomAD v4.1: 1 of 1,613,942 alleles (0.000062%); highest among the groups gnomAD compares: Non-Finnish European, 0.000085%; no homozygotes.

Submissions (3):

Ambry Genetics
Classification: Uncertain significance for Hereditary cancer-predisposing syndrome. Last evaluated: 2024-08-26. Review status: criteria provided, single submitter. Criteria: Ambry Variant Classification Scheme 2023. Collection method: clinical testing. Allele origin: germline.
Comment: The p.N979H variant (also known as c.2935A>C), located in coding exon 18 of the PTCH1 gene, results from an A to C substitution at nucleotide position 2935. The asparagine at codon 979 is replaced by histidine, an amino acid with similar properties. This amino acid position is conserved. In addition, the in silico prediction for this alteration is inconclusive. Since supporting evidence is limited at this time, the clinical significance of this alteration remains unclear.

Labcorp Genetics (formerly Invitae), Labcorp
Classification: Uncertain significance for Gorlin syndrome. Last evaluated: 2024-08-06. Review status: criteria provided, single submitter. Criteria: Invitae Variant Classification Sherloc (09022015). Collection method: clinical testing. Allele origin: germline.
Comment: This sequence change replaces asparagine, which is neutral and polar, with histidine, which is basic and polar, at codon 979 of the PTCH1 protein (p.Asn979His). This variant is not present in population databases (gnomAD no frequency). This variant has not been reported in the literature in individuals affected with PTCH1-related conditions. ClinVar contains an entry for this variant (Variation ID: 665613). Advanced modeling of protein sequence and biophysical properties (such as structural, functional, and spatial information, amino acid conservation, physicochemical variation, residue mobility, and thermodynamic stability) performed at Invitae indicates that this missense variant is not expected to disrupt PTCH1 protein function with a negative predictive value of 95%. In summary, the available evidence is currently insufficient to determine the role of this variant in disease. Therefore, it has been classified as a Variant of Uncertain Significance.

Blueprint Genetics
Classification: Uncertain significance. Last evaluated: 2021-07-01. Review status: criteria provided, single submitter. Criteria: ACMG Guidelines, 2015. Collection method: clinical testing. Allele origin: germline.

NM_000264.5(PTCH1):c.2935A>C (p.Asn979His)

Gene: PTCH1 (patched 1; minus strand). Cytogenetic location: 9q22.32.
Variant type: single nucleotide variant.
Coding change: c.2935A>C on transcript NM_000264.5 (MANE Select); coding-DNA position 2935, A replaced by C.
Protein change: p.Asn979His; replaces asparagine 979 with histidine.
Molecular consequence: missense variant. On other transcripts: non-coding transcript variant (1).
Genome position (GRCh38, 1-based): chr9:95,458,246, T>G on the plus strand (A>C on the coding strand, the complement: PTCH1 is on the minus strand). VCF-style: chr9-95458246-T-G. GRCh37 (hg19) VCF-style: chr9-98220528-T-G.
Other names: c.2737A>C, p.Asn913His (NM_001083602.3); c.2932A>C, p.Asn978His (NM_001083603.3); c.2482A>C, p.Asn828His (NM_001083604.3, NM_001083605.3, NM_001083606.3 and 1 more transcripts); c.2779A>C, p.Asn927His (NM_001354918.2); short protein forms N913H, N927H, N978H, N828H, N979H.
Identifiers: ClinVar variation 665613 (VCV000665613.13), dbSNP rs1588540767, ClinGen allele CA374112748.